The following is an entry in ClinVar:

NM_058216.3(RAD51C):c.127C>G (p.Pro43Ala)

Gene: RAD51C (RAD51 paralog C; plus strand). Cytogenetic location: 17q22.
Variant type: single nucleotide variant.
Coding change: c.127C>G on transcript NM_058216.3 (MANE Select); coding-DNA position 127, C replaced by G.
Protein change: p.Pro43Ala; replaces proline 43 with alanine.
Molecular consequence: missense variant. On other transcripts: non-coding transcript variant (1).
Genome position (GRCh38, 1-based): chr17:58,692,770, C>G. VCF-style: chr17-58692770-C-G. GRCh37 (hg19) VCF-style: chr17-56770131-C-G.
Other names: c.127C>G, p.Pro43Ala (NM_002876.4, NM_058217.1); short protein forms P43A.
Identifiers: ClinVar variation 2845593 (VCV002845593.4), dbSNP rs1442559963, ClinGen allele CA400337679.

ClinVar aggregate classification (germline): Uncertain significance. Review status: criteria provided, multiple submitters, no conflicts (2 of 4 stars). 2 submissions from 2 submitters: Uncertain significance (2). Last evaluated 2025-05-20.

Conditions:
Fanconi anemia complementation group O. Also called: RAD51C-Related Fanconi Anemia. Identifiers: Orphanet 84, MedGen C3150653, MONDO:0013248, OMIM 613390.
Hereditary cancer-predisposing syndrome. Also called: Hereditary Cancer Syndrome; Hereditary neoplastic syndrome; Neoplastic Syndromes, Hereditary; Tumor predisposition. Identifiers: Orphanet 140162, MedGen C0027672, MeSH D009386, MONDO:0015356.

Submissions (2):

Color Diagnostics, LLC DBA Color Health
Classification: Uncertain significance for Hereditary cancer-predisposing syndrome. Last evaluated: 2025-05-20. Review status: criteria provided, single submitter. Criteria: ACMG Guidelines, 2015. Collection method: clinical testing. Allele origin: germline.
Comment: This missense variant replaces proline with alanine at codon 43 of the RAD51C protein. Computational prediction suggests that this variant may not impact protein structure and function. To our knowledge, functional studies have not been reported for this variant. This variant has not been reported in individuals affected with RAD51C-related disorders in the literature. This variant has not been identified in the general population by the Genome Aggregation Database (gnomAD). The available evidence is insufficient to determine the role of this variant in disease conclusively. Therefore, this variant is classified as a Variant of Uncertain Significance.

Labcorp Genetics (formerly Invitae), Labcorp
Classification: Uncertain significance for Fanconi anemia complementation group O. Last evaluated: 2023-03-20. Review status: criteria provided, single submitter. Criteria: Invitae Variant Classification Sherloc (09022015). Collection method: clinical testing. Allele origin: germline.
Comment: This sequence change replaces proline, which is neutral and non-polar, with alanine, which is neutral and non-polar, at codon 43 of the RAD51C protein (p.Pro43Ala). This variant is not present in population databases (gnomAD no frequency). This variant has not been reported in the literature in individuals affected with RAD51C-related conditions. Advanced modeling of protein sequence and biophysical properties (such as structural, functional, and spatial information, amino acid conservation, physicochemical variation, residue mobility, and thermodynamic stability) performed at Invitae indicates that this missense variant is not expected to disrupt RAD51C protein function. In summary, the available evidence is currently insufficient to determine the role of this variant in disease. Therefore, it has been classified as a Variant of Uncertain Significance.